The following is an entry in ClinVar:

ClinVar aggregate classification (germline): Pathogenic. Review status: criteria provided, multiple submitters, no conflicts (2 of 4 stars). 2 submissions from 2 submitters: Pathogenic (2). Last evaluated 2024-12-22.

Conditions:
Joubert syndrome 3 (JBTS3). Also called: AHI1-related Ciliopathy. Identifiers: Orphanet 220493, MedGen C1837713, MONDO:0012078, OMIM 608629.
AHI1-related disorder. Also called: AHI1-related condition.

Submissions (2):

Myriad Genetics, Inc.
Classification: Pathogenic for Joubert syndrome 3. Last evaluated: 2024-12-22. Review status: criteria provided, single submitter. Criteria: Myriad Autosomal Dominant, Autosomal Recessive and X-Linked Classification Criteria (2023). Collection method: clinical testing. Allele origin: unknown.
Comment: NM_001134831.1(AHI1):c.2175G>A(W725*) is expected to be pathogenic in the context of Joubert syndrome, AHI1-related. This variant is predicted to lead to an abnormal or absent protein product due to the creation of a premature termination codon in AHI1, a gene where loss-of-function variants are known to be pathogenic. Please note: this variant was assessed in the context of healthy population screening.

Blueprint Genetics
Classification: Pathogenic for AHI1-related disorders. Last evaluated: 2018-11-03. Review status: criteria provided, single submitter. Criteria: ACMG Guidelines, 2015. Collection method: clinical testing. Allele origin: germline. Affected: yes. Observed: 1 variant allele.

NM_001134831.2(AHI1):c.2175G>A (p.Trp725Ter)

Gene: AHI1 (Abelson helper integration site 1; minus strand). Cytogenetic location: 6q23.3.
Variant type: single nucleotide variant.
Coding change: c.2175G>A on transcript NM_001134831.2 (MANE Select); coding-DNA position 2175, G replaced by A.
Protein change: p.Trp725Ter; replaces tryptophan 725 with a stop codon.
Molecular consequence: nonsense.
Genome position (GRCh38, 1-based): chr6:135,433,118, C>T on the plus strand (G>A on the coding strand, the complement: AHI1 is on the minus strand). VCF-style: chr6-135433118-C-T. GRCh37 (hg19) VCF-style: chr6-135754256-C-T.
Other names: c.2175G>A, p.Trp725Ter (NM_001134830.2, NM_001134832.2, NM_001350503.2 and 2 more transcripts); short protein forms W725*.
Identifiers: ClinVar variation 4894072 (VCV004894072.2).
Genomic context (GRCh38, chr6:135,433,118, plus strand): 5'-ACTTTTGTGAACATCAAACTGTCGGACCAATATGGCAGAATCTTCTCTCATCTCAACTTT[C>T]CATATCCGTATCATGGAATCATAGCATCCTGTAACTACTAGCTCTCTTACAGCTGGATGG-3'